The following is an entry in ClinVar:

ClinVar aggregate classification (germline): Conflicting classifications of pathogenicity. Review status: criteria provided, conflicting classifications (1 of 4 stars). 5 submissions from 5 submitters: Uncertain significance (4); Benign (1). Last evaluated 2024-07-30.

Conditions:
Cardiomyopathy (CMYO). Also called: Cardiomyopathies. Identifiers: Orphanet 167848, MedGen C0878544, MONDO:0004994, HP:0001638. Inheritance: Various modes of inheritance.
Lethal congenital glycogen storage disease of heart. Also called: GLYCOGEN STORAGE DISEASE OF HEART; PHOSPHORYLASE KINASE DEFICIENCY OF HEART. Identifiers: Orphanet 439854, MedGen C1849813, MONDO:0009867, OMIM 261740.
Hypertrophic cardiomyopathy. Also called: HYPERTROPHIC MYOCARDIOPATHY. Identifiers: Orphanet 217569, MedGen C0007194, MeSH D002312, MONDO:0005045, HP:0001639.
Cardiovascular phenotype. Identifiers: MedGen CN230736.

Allele frequency attached by ClinVar (database versions not stated): gnomAD exomes below 0.00001 and 0.00001; gnomAD 0.00001.
gnomAD v4.1: 7 of 1,610,388 alleles (0.00043%); highest among the groups gnomAD compares: East Asian, 0.0045%; no homozygotes.

Submissions (5):

Labcorp Genetics (formerly Invitae), Labcorp
Classification: Benign for Lethal congenital glycogen storage disease of heart. Last evaluated: 2024-07-30. Review status: criteria provided, single submitter. Criteria: Invitae Variant Classification Sherloc (09022015). Collection method: clinical testing. Allele origin: germline.

All of Us Research Program, National Institutes of Health
Classification: Uncertain significance for Hypertrophic cardiomyopathy. Last evaluated: 2023-12-13. Review status: criteria provided, single submitter. Criteria: ACMG Guidelines, 2015. Collection method: clinical testing. Allele origin: germline. Inheritance: Autosomal dominant inheritance. Observed: 1 variant allele, 1 heterozygote.
Comment: This missense variant replaces glycine with glutamic acid at codon 19 of the PRKAG2 protein. Computational prediction suggests that this variant may not impact protein structure and function (internally defined REVEL score threshold <= 0.5, PMID: 27666373). To our knowledge, functional studies have not been reported for this variant. This variant has been reported in homozygosity in an individual suspected of having a primary electrical disease (PMID: 28341588). This variant has been identified in 2/248682 chromosomes in the general population by the Genome Aggregation Database (gnomAD). The available evidence is insufficient to determine the role of this variant in disease conclusively. Therefore, this variant is classified as a Variant of Uncertain Significance.

This study involves interpretation of variants in research participants for the purpose of population health screening. Participant phenotype was not available at the time of variant classification. Additional details can be found in publication PMID: 35346344, PMCID: PMC8962531

Color Diagnostics, LLC DBA Color Health
Classification: Uncertain significance for Cardiomyopathy. Last evaluated: 2023-11-14. Review status: criteria provided, single submitter. Criteria: ACMG Guidelines, 2015. Collection method: clinical testing. Allele origin: germline.
Comment: This missense variant replaces glycine with glutamic acid at codon 19 of the PRKAG2 protein. Computational prediction suggests that this variant may not impact protein structure and function (internally defined REVEL score threshold <= 0.5, PMID: 27666373). To our knowledge, functional studies have not been reported for this variant. This variant has been reported in homozygosity in an individual suspected of having a primary electrical disease (PMID: 28341588). This variant has been identified in 2/248682 chromosomes in the general population by the Genome Aggregation Database (gnomAD). The available evidence is insufficient to determine the role of this variant in disease conclusively. Therefore, this variant is classified as a Variant of Uncertain Significance.

GeneDx
Classification: Uncertain significance. Last evaluated: 2020-08-21. Review status: criteria provided, single submitter. Criteria: GeneDx Variant Classification Process June 2021. Collection method: clinical testing. Allele origin: germline. Affected: yes.
Comment: Reported as a likely benign variant in a patient with long QT syndrome (Proost et al., 2017); Not observed at a significant frequency in large population cohorts (Lek et al., 2016); In silico analysis supports that this missense variant does not alter protein structure/function; Reported in ClinVar as a variant of uncertain significance (ClinVar Variant ID# 533875; Landrum et al., 2016); This variant is associated with the following publications: (PMID: 28341588)

Ambry Genetics
Classification: Uncertain significance for Cardiovascular phenotype. Last evaluated: 2020-08-12. Review status: criteria provided, single submitter. Criteria: Ambry Variant Classification Scheme 2023. Collection method: clinical testing. Allele origin: germline.
Comment: The p.G19E variant (also known as c.56G>A), located in coding exon 1 of the PRKAG2 gene, results from a G to A substitution at nucleotide position 56. The glycine at codon 19 is replaced by glutamic acid, an amino acid with similar properties. This variant was reportedly identified as homozygous in an individual with long QT syndrome (LQTS); however clinical details were limited (Proost D et al. J Mol Diagn, 2017 05;19:445-459). This amino acid position is well conserved in available vertebrate species. In addition, the in silico prediction for this alteration is inconclusive. Since supporting evidence is limited at this time, the clinical significance of this alteration remains unclear.

Literature cited by the submitters: PubMed 28341588 (cited by 3 submitters).

NM_016203.4(PRKAG2):c.56G>A (p.Gly19Glu)

Gene: PRKAG2 (protein kinase AMP-activated non-catalytic subunit gamma 2; minus strand). Cytogenetic location: 7q36.1.
Variant type: single nucleotide variant.
Coding change: c.56G>A on transcript NM_016203.4 (MANE Select); coding-DNA position 56, G replaced by A.
Protein change: p.Gly19Glu; replaces glycine 19 with glutamic acid.
Molecular consequence: missense variant.
Genome position (GRCh38, 1-based): chr7:151,876,565, C>T on the plus strand (G>A on the coding strand, the complement: PRKAG2 is on the minus strand). VCF-style: chr7-151876565-C-T. GRCh37 (hg19) VCF-style: chr7-151573650-C-T.
Other names: short protein forms G19E.
Identifiers: ClinVar variation 533875 (VCV000533875.15), dbSNP rs368522976, ClinGen allele CA169183671.